The following is an entry in ClinVar:

NM_024589.3(ROGDI):c.46G>C (p.Glu16Gln)

Gene: ROGDI (rogdi atypical leucine zipper; minus strand). Cytogenetic location: 16p13.3.
Variant type: single nucleotide variant.
Coding change: c.46G>C on transcript NM_024589.3 (MANE Select); coding-DNA position 46, G replaced by C.
Protein change: p.Glu16Gln; replaces glutamic acid 16 with glutamine.
Molecular consequence: missense variant. On other transcripts: non-coding transcript variant (1).
Genome position (GRCh38, 1-based): chr16:4,802,453, C>G on the plus strand (G>C on the coding strand, the complement: ROGDI is on the minus strand). VCF-style: chr16-4802453-C-G. GRCh37 (hg19) VCF-style: chr16-4852454-C-G.
Other names: short protein forms E16Q.
Identifiers: ClinVar variation 949459 (VCV000949459.9), dbSNP rs2082744243, ClinGen allele CA394656707.

ClinVar aggregate classification (germline): Uncertain significance (1 of 4 stars; one submission).

Conditions:
Amelocerebrohypohidrotic syndrome (KTZS). Also called: EPILEPSY AND YELLOW TEETH; EPILEPSY, DEMENTIA, AND AMELOGENESIS IMPERFECTA; KOHLSCHUTTER SYNDROME; Kohlschutter's syndrome. Identifiers: Orphanet 1946, MedGen C0406740, MONDO:0009185, OMIM 226750.

Submission:

Labcorp Genetics (formerly Invitae), Labcorp
Classification: Uncertain significance for Amelocerebrohypohidrotic syndrome. Last evaluated: 2019-07-19. Review status: criteria provided, single submitter. Criteria: Invitae Variant Classification Sherloc (09022015). Collection method: clinical testing. Allele origin: germline.
Comment: This variant has not been reported in the literature in individuals with ROGDI-related conditions. The frequency data for this variant in the population databases is considered unreliable, as metrics indicate insufficient coverage at this position in the ExAC database. This sequence change replaces glutamic acid with glutamine at codon 16 of the ROGDI protein (p.Glu16Gln). The glutamic acid residue is highly conserved and there is a small physicochemical difference between glutamic acid and glutamine. In summary, the available evidence is currently insufficient to determine the role of this variant in disease. Therefore, it has been classified as a Variant of Uncertain Significance. Algorithms developed to predict the effect of sequence changes on RNA splicing suggest that this variant may disrupt the consensus splice site, but this prediction has not been confirmed by published transcriptional studies.